The following is an entry in ClinVar:

ClinVar aggregate classification (germline): Uncertain significance (1 of 4 stars; one submission).

Conditions:
Inborn genetic diseases. Identifiers: MedGen C0950123, MeSH D030342.

gnomAD v4.1: 9 of 1,614,044 alleles (0.00056%); highest among the groups gnomAD compares: Non-Finnish European, 0.00059%; no homozygotes.

Submission:

Ambry Genetics
Classification: Uncertain significance for Inborn genetic diseases. Last evaluated: 2024-12-16. Review status: criteria provided, single submitter. Criteria: Ambry Variant Classification Scheme 2023. Collection method: clinical testing. Allele origin: germline.
Comment: The p.F699S variant (also known as c.2096T>C), located in coding exon 8 of the MECOM gene, results from a T to C substitution at nucleotide position 2096. The phenylalanine at codon 699 is replaced by serine, an amino acid with highly dissimilar properties. This amino acid position is conserved. In addition, the in silico prediction for this alteration is inconclusive. Based on the available evidence, the clinical significance of this variant remains unclear.

NM_004991.4(MECOM):c.2096T>C (p.Phe699Ser)

Gene: MECOM (MDS1 and EVI1 complex locus; minus strand). Cytogenetic location: 3q26.2.
Variant type: single nucleotide variant.
Coding change: c.2096T>C on transcript NM_004991.4 (MANE Select); coding-DNA position 2096, T replaced by C.
Protein change: p.Phe699Ser; replaces phenylalanine 699 with serine.
Molecular consequence: missense variant. On other transcripts: intron variant (2).
Genome position (GRCh38, 1-based): chr3:169,115,776, A>G on the plus strand (T>C on the coding strand, the complement: MECOM is on the minus strand). VCF-style: chr3-169115776-A-G. GRCh37 (hg19) VCF-style: chr3-168833564-A-G.
Other names: c.1727T>C, p.Phe576Ser (NM_001105077.4); c.1532T>C, p.Phe511Ser (NM_001105078.4, NM_001164000.2, NM_001205194.2 and 4 more transcripts); c.1535T>C, p.Phe512Ser (NM_001163999.2, NM_001366467.2, NM_001366468.2 and 1 more transcripts); c.2096T>C, p.Phe699Ser (NM_001366466.2); c.1133-9T>C (NM_001366473.2); c.569-9T>C (NM_001366474.2); short protein forms F511S, F699S, F512S, F576S.
Identifiers: ClinVar variation 3871618 (VCV003871618.1).